The following is an entry in ClinVar:

NM_004064.5(CDKN1B):c.160G>C (p.Glu54Gln)

Gene: CDKN1B (cyclin dependent kinase inhibitor 1B; plus strand). Cytogenetic location: 12p13.1.
Variant type: single nucleotide variant.
Coding change: c.160G>C on transcript NM_004064.5 (MANE Select); coding-DNA position 160, G replaced by C.
Protein change: p.Glu54Gln; replaces glutamic acid 54 with glutamine.
Molecular consequence: missense variant.
Genome position (GRCh38, 1-based): chr12:12,717,999, G>C. VCF-style: chr12-12717999-G-C. GRCh37 (hg19) VCF-style: chr12-12870933-G-C.
Other names: short protein forms E54Q.
Identifiers: ClinVar variation 648766 (VCV000648766.17), dbSNP rs1275755910, ClinGen allele CA383969094.

ClinVar aggregate classification (germline): Uncertain significance. Review status: criteria provided, multiple submitters, no conflicts (2 of 4 stars). 4 submissions from 4 submitters: Uncertain significance (4). Last evaluated 2025-05-25.

Conditions:
Hereditary cancer-predisposing syndrome. Also called: Hereditary Cancer Syndrome; Tumor predisposition; Neoplastic Syndromes, Hereditary; Hereditary neoplastic syndrome. Identifiers: Orphanet 140162, MedGen C0027672, MeSH D009386, MONDO:0015356.
Multiple endocrine neoplasia type 4. Also called: MULTIPLE ENDOCRINE NEOPLASIA, TYPE IV. Identifiers: Orphanet 276152, MedGen C1970712, MONDO:0012552, OMIM 610755.

Allele frequency attached by ClinVar (database versions not stated): gnomAD 0.00001; TOPMed 0.00001.

Submissions (4):

Labcorp Genetics (formerly Invitae), Labcorp
Classification: Uncertain significance for Multiple endocrine neoplasia type 4. Last evaluated: 2025-05-25. Review status: criteria provided, single submitter. Criteria: Invitae Variant Classification Sherloc (09022015). Collection method: clinical testing. Allele origin: germline.
Comment: This sequence change replaces glutamic acid, which is acidic and polar, with glutamine, which is neutral and polar, at codon 54 of the CDKN1B protein (p.Glu54Gln). This variant is present in population databases (no rsID available, gnomAD 0.0009%). This missense change has been observed in individual(s) with clinical features of pituitary adenoma (PMID: 34313605). ClinVar contains an entry for this variant (Variation ID: 648766). An algorithm developed to predict the effect of missense changes on protein structure and function (PolyPhen-2) suggests that this variant is likely to be disruptive. In summary, the available evidence is currently insufficient to determine the role of this variant in disease. Therefore, it has been classified as a Variant of Uncertain Significance.

Ambry Genetics
Classification: Uncertain significance for Hereditary cancer-predisposing syndrome. Last evaluated: 2023-11-30. Review status: criteria provided, single submitter. Criteria: Ambry Variant Classification Scheme 2023. Collection method: clinical testing. Allele origin: germline.
Comment: The p.E54Q variant (also known as c.160G>C), located in coding exon 1 of the CDKN1B gene, results from a G to C substitution at nucleotide position 160. The glutamic acid at codon 54 is replaced by glutamine, an amino acid with highly similar properties. This alteration was detected in the germline of a pediatric patient with a pituitary adenoma (Mart&iacute;nez de LaPiscina I et al. Eur J Endocrinol, 2021 Aug;185:485-496). This amino acid position is well conserved in available vertebrate species. In addition, the in silico prediction for this alteration is inconclusive. Since supporting evidence is limited at this time, the clinical significance of this alteration remains unclear.

Baylor Genetics
Classification: Uncertain significance for Multiple endocrine neoplasia type 4. Last evaluated: 2023-11-17. Review status: criteria provided, single submitter. Criteria: ACMG Guidelines, 2015. Collection method: clinical testing. Allele origin: unknown.

Quest Diagnostics Nichols Institute San Juan Capistrano
Classification: Uncertain significance. Last evaluated: 2023-03-09. Review status: criteria provided, single submitter. Criteria: Quest Diagnostics criteria. Collection method: clinical testing. Allele origin: unknown.
Comment: The frequency of this variant in the general population, 0.000004 (1/251470 chromosomes), is uninformative in assessment of its pathogenicity. In the published literature, the variant has been reported in a child with a pituitary adenoma (PMID: 34313605 (2021)). Analysis of this variant using bioinformatics tools for the prediction of the effect of amino acid changes on protein structure and function yielded conflicting predictions that this variant is benign or damaging. Based on the available information, we are unable to determine the clinical significance of this variant.

Literature cited by the submitters: PubMed 34313605 (cited by 3 submitters).